The following is an entry in ClinVar:

ClinVar aggregate classification (germline): Uncertain significance. Review status: criteria provided, multiple submitters, no conflicts (2 of 4 stars). 2 submissions from 2 submitters: Uncertain significance (2). Last evaluated 2025-06-24.

Conditions:
Hereditary cancer-predisposing syndrome. Also called: Neoplastic Syndromes, Hereditary; Tumor predisposition; Hereditary neoplastic syndrome; Hereditary Cancer Syndrome. Identifiers: Orphanet 140162, MedGen C0027672, MeSH D009386, MONDO:0015356.
Cardiovascular phenotype. Identifiers: MedGen CN230736.
Neurofibromatosis, type 1 (NF1). Also called: NEUROFIBROMATOSIS, TYPE I, SOMATIC; Peripheral type neurofibromatosis; VON RECKLINGHAUSEN DISEASE; Neurofibromatosis, type I. Identifiers: Orphanet 636, MedGen C0027831, MONDO:0018975, OMIM 162200. Disease mechanism: loss of function.

Allele frequency attached by ClinVar (database versions not stated): TOPMed below 0.00001.
gnomAD v4.1: 1 of 1,613,472 alleles (0.000062%); highest among the groups gnomAD compares: African/African-American, 0.0013%; no homozygotes.

Submissions (2):

Labcorp Genetics (formerly Invitae), Labcorp
Classification: Uncertain significance for Neurofibromatosis, type 1. Last evaluated: 2025-06-24. Review status: criteria provided, single submitter. Criteria: Invitae Variant Classification Sherloc (09022015). Collection method: clinical testing. Allele origin: germline.
Comment: This sequence change replaces asparagine, which is neutral and polar, with lysine, which is basic and polar, at codon 886 of the NF1 protein (p.Asn886Lys). This variant is not present in population databases (gnomAD no frequency). This variant has not been reported in the literature in individuals affected with NF1-related conditions. ClinVar contains an entry for this variant (Variation ID: 1794403). Invitae Evidence Modeling of protein sequence and biophysical properties (such as structural, functional, and spatial information, amino acid conservation, physicochemical variation, residue mobility, and thermodynamic stability) indicates that this missense variant is not expected to disrupt NF1 protein function with a negative predictive value of 95%. In summary, the available evidence is currently insufficient to determine the role of this variant in disease. Therefore, it has been classified as a Variant of Uncertain Significance.

Ambry Genetics
Classification: Uncertain significance for Cardiovascular phenotype; Hereditary cancer-predisposing syndrome. Last evaluated: 2020-11-12. Review status: criteria provided, single submitter. Criteria: Ambry Variant Classification Scheme 2023. Collection method: clinical testing. Allele origin: germline.
Comment: The p.N886K variant (also known as c.2658C>A), located in coding exon 21 of the NF1 gene, results from a C to A substitution at nucleotide position 2658. The asparagine at codon 886 is replaced by lysine, an amino acid with similar properties. This amino acid position is well conserved in available vertebrate species. In addition, this alteration is predicted to be tolerated by in silico analysis. Since supporting evidence is limited at this time, the clinical significance of this alteration remains unclear.

NM_001042492.3(NF1):c.2658C>A (p.Asn886Lys)

Gene: NF1 (neurofibromin 1; plus strand). Cytogenetic location: 17q11.2.
Variant type: single nucleotide variant.
Coding change: c.2658C>A on transcript NM_001042492.3 (MANE Select); coding-DNA position 2658, C replaced by A.
Protein change: p.Asn886Lys; replaces asparagine 886 with lysine.
Molecular consequence: missense variant.
Genome position (GRCh38, 1-based): chr17:31,229,273, C>A. VCF-style: chr17-31229273-C-A. GRCh37 (hg19) VCF-style: chr17-29556291-C-A.
Other names: c.2658C>A, p.Asn886Lys (NM_000267.4); short protein forms N886K.
Identifiers: ClinVar variation 1794403 (VCV001794403.3), dbSNP rs781549970, ClinGen allele CA398984772.